The following is an entry in ClinVar:

ClinVar aggregate classification (germline): Uncertain significance. Review status: criteria provided, multiple submitters, no conflicts (2 of 4 stars). 2 submissions from 2 submitters: Uncertain significance (2). Last evaluated 2025-10-21.

Allele frequency attached by ClinVar (database versions not stated): gnomAD exomes 0.00006; ExAC 0.00007.

Submissions (2):

Labcorp Genetics (formerly Invitae), Labcorp
Classification: Uncertain significance. Last evaluated: 2025-10-21. Review status: criteria provided, single submitter. Criteria: Invitae Variant Classification Sherloc (09022015). Collection method: clinical testing. Allele origin: germline.
Comment: This sequence change replaces alanine, which is neutral and non-polar, with valine, which is neutral and non-polar, at codon 27 of the ICOSLG protein (p.Ala27Val). This variant is present in population databases (rs770959767, gnomAD 0.02%). This variant has not been reported in the literature in individuals affected with ICOSLG-related conditions. ClinVar contains an entry for this variant (Variation ID: 1432324). An algorithm developed to predict the effect of missense changes on protein structure and function (PolyPhen-2) suggests that this variant is likely to be disruptive. In summary, the available evidence is currently insufficient to determine the role of this variant in disease. Therefore, it has been classified as a Variant of Uncertain Significance.

Ambry Genetics
Classification: Uncertain significance. Last evaluated: 2025-02-22. Review status: criteria provided, single submitter. Criteria: Ambry Variant Classification Scheme 2023. Collection method: clinical testing. Allele origin: germline.

NM_015259.6(ICOSLG):c.80C>T (p.Ala27Val)

Gene: ICOSLG (inducible T cell costimulator ligand; minus strand). Cytogenetic location: 21q22.3.
Variant type: single nucleotide variant.
Coding change: c.80C>T on transcript NM_015259.6 (MANE Select); coding-DNA position 80, C replaced by T.
Protein change: p.Ala27Val; replaces alanine 27 with valine.
Molecular consequence: missense variant. On other transcripts: 5 prime UTR variant (1), intron variant (2).
Genome position (GRCh38, 1-based): chr21:44,237,193, G>A on the plus strand (C>T on the coding strand, the complement: ICOSLG is on the minus strand). VCF-style: chr21-44237193-G-A. GRCh37 (hg19) VCF-style: chr21-45657076-G-A.
Other names: c.80C>T, p.Ala27Val (NM_001283050.2, NM_001395918.1); c.-2C>T (NM_001365759.2); c.55+1255C>T (NM_001283051.2); c.-48-128C>T (NM_001283052.2); c.80C>T (NM_015259.4); short protein forms A27V.
Identifiers: ClinVar variation 1432324 (VCV001432324.7), dbSNP rs770959767, ClinGen allele CA321498472.